The following is an entry in ClinVar:

ClinVar aggregate classification (germline): Uncertain significance (1 of 4 stars; one submission).

Conditions:
Hereditary cancer-predisposing syndrome. Also called: Hereditary neoplastic syndrome; Neoplastic Syndromes, Hereditary; Tumor predisposition; Hereditary Cancer Syndrome. Identifiers: Orphanet 140162, MedGen C0027672, MeSH D009386, MONDO:0015356.

Submission:

Ambry Genetics
Classification: Uncertain significance for Hereditary cancer-predisposing syndrome. Last evaluated: 2025-08-27. Review status: criteria provided, single submitter. Criteria: Ambry Variant Classification Scheme 2023. Collection method: clinical testing. Allele origin: germline.
Comment: The p.A91S variant (also known as c.271G>T), located in coding exon 3 of the MUTYH gene, results from a G to T substitution at nucleotide position 271. The alanine at codon 91 is replaced by serine, an amino acid with similar properties. This amino acid position is conserved. In addition, this alteration is predicted to be tolerated by in silico analysis. Based on the available evidence, the clinical significance of this variant remains unclear.

NM_001048174.2(MUTYH):c.187G>T (p.Ala63Ser)

Gene: MUTYH (mutY DNA glycosylase; minus strand). Cytogenetic location: 1p34.1.
Variant type: single nucleotide variant.
Coding change: c.187G>T on transcript NM_001048174.2 (MANE Select); coding-DNA position 187, G replaced by T.
Protein change: p.Ala63Ser; replaces alanine 63 with serine.
Molecular consequence: missense variant. On other transcripts: 5 prime UTR variant (6), non-coding transcript variant (7).
Genome position (GRCh38, 1-based): chr1:45,333,490, C>A on the plus strand (G>T on the coding strand, the complement: MUTYH is on the minus strand). VCF-style: chr1-45333490-C-A. GRCh37 (hg19) VCF-style: chr1-45799162-C-A.
Other names: c.187G>T, p.Ala63Ser (NM_001048171.2, NM_001048173.2, NM_001293195.2 and 6 more transcripts); c.190G>T, p.Ala64Ser (NM_001048172.2, NM_001407071.1, NM_001407078.1 and 2 more transcripts); c.271G>T, p.Ala91Ser (NM_001128425.2); c.232G>T, p.Ala78Ser (NM_001293190.2); c.220G>T, p.Ala74Ser (NM_001293191.2, NM_001407077.1); c.-90G>T (NM_001293192.2, NM_001293196.2, NM_001407091.1); c.-85G>T (NM_001350650.2, NM_001350651.2, NM_001407082.1); c.262G>T, p.Ala88Ser (NM_001407069.1, NM_012222.3); and 3 more; short protein forms A70S, A74S, A77S, A78S, A88S, A35S, A64S, A63S.
Identifiers: ClinVar variation 4113565 (VCV004113565.1).
Genomic context (GRCh38, chr1:45,333,490, plus strand): 5'-GGTCCCGTTTCTCTTGGTCGTACCAGCTTAGCAGGCTCCCTCGGAAGGCTGTGACTTCAG[C>A]TACGTCTCTGAATAGATGGTATGAGGAGACAGAGGCCTGCAATACCACCTCTTCCGGCTG-3'
Protein context (NP_001041639.1, residues 53-73): VSSYHLFRDV[Ala63Ser]EVTAFRGSLL